The following is an entry in ClinVar:

ClinVar aggregate classification (germline): Uncertain significance (1 of 4 stars; one submission).

Conditions:
Autosomal recessive severe congenital neutropenia due to CSF3R deficiency. Also called: Neutropenia, severe congenital, 7, autosomal recessive. Identifiers: Orphanet 420702, MedGen C4310764, MONDO:0014865, OMIM 617014.

gnomAD v4.1: 1 of 1,614,176 alleles (0.000062%); highest among the groups gnomAD compares: Admixed American, 0.0017%; no homozygotes.

Submission:

Labcorp Genetics (formerly Invitae), Labcorp
Classification: Uncertain significance for Autosomal recessive severe congenital neutropenia due to CSF3R deficiency. Last evaluated: 2024-01-26. Review status: criteria provided, single submitter. Criteria: Invitae Variant Classification Sherloc (09022015). Collection method: clinical testing. Allele origin: germline.
Comment: This sequence change replaces threonine, which is neutral and polar, with methionine, which is neutral and non-polar, at codon 301 of the CSF3R protein (p.Thr301Met). This variant is not present in population databases (gnomAD no frequency). This variant has not been reported in the literature in individuals affected with CSF3R-related conditions. Advanced modeling of protein sequence and biophysical properties (such as structural, functional, and spatial information, amino acid conservation, physicochemical variation, residue mobility, and thermodynamic stability) performed at Invitae indicates that this missense variant is not expected to disrupt CSF3R protein function with a negative predictive value of 80%. In summary, the available evidence is currently insufficient to determine the role of this variant in disease. Therefore, it has been classified as a Variant of Uncertain Significance.

NM_000760.4(CSF3R):c.902C>T (p.Thr301Met)

Gene: CSF3R (colony stimulating factor 3 receptor; minus strand). Cytogenetic location: 1p34.3.
Variant type: single nucleotide variant.
Coding change: c.902C>T on transcript NM_000760.4 (MANE Select); coding-DNA position 902, C replaced by T.
Protein change: p.Thr301Met; replaces threonine 301 with methionine.
Molecular consequence: missense variant.
Genome position (GRCh38, 1-based): chr1:36,472,333, G>A on the plus strand (C>T on the coding strand, the complement: CSF3R is on the minus strand). VCF-style: chr1-36472333-G-A. GRCh37 (hg19) VCF-style: chr1-36937934-G-A.
Other names: c.902C>T, p.Thr301Met (NM_156039.3, NM_172313.3); short protein forms T301M.
Identifiers: ClinVar variation 3715864 (VCV003715864.2).